The following is an entry in ClinVar:

NM_001276270.2(MBD4):c.629C>T (p.Thr210Ile)

Gene: MBD4 (methyl-CpG binding domain 4, DNA glycosylase; minus strand). Cytogenetic location: 3q21.3.
Variant type: single nucleotide variant.
Coding change: c.629C>T on transcript NM_001276270.2 (MANE Select); coding-DNA position 629, C replaced by T.
Protein change: p.Thr210Ile; replaces threonine 210 with isoleucine.
Molecular consequence: missense variant. On other transcripts: intron variant (1).
Genome position (GRCh38, 1-based): chr3:129,437,015, G>A on the plus strand (C>T on the coding strand, the complement: MBD4 is on the minus strand). VCF-style: chr3-129437015-G-A. GRCh37 (hg19) VCF-style: chr3-129155858-G-A.
Other names: c.629C>T, p.Thr210Ile (NM_001276271.2, NM_001276272.2, NM_003925.3); c.247+793C>T (NM_001276273.2); short protein forms T210I.
Identifiers: ClinVar variation 2782381 (VCV002782381.3), dbSNP rs1375736849, ClinGen allele CA354467606.

ClinVar aggregate classification (germline): Uncertain significance (1 of 4 stars; one submission).

Allele frequency attached by ClinVar (database versions not stated): gnomAD exomes 0.00001.

Submission:

Labcorp Genetics (formerly Invitae), Labcorp
Classification: Uncertain significance. Last evaluated: 2025-10-07. Review status: criteria provided, single submitter. Criteria: Invitae Variant Classification Sherloc (09022015). Collection method: clinical testing. Allele origin: germline.
Comment: This sequence change replaces threonine, which is neutral and polar, with isoleucine, which is neutral and non-polar, at codon 210 of the MBD4 protein (p.Thr210Ile). This variant is present in population databases (no rsID available, gnomAD 0.006%). This variant has not been reported in the literature in individuals affected with MBD4-related conditions. ClinVar contains an entry for this variant (Variation ID: 2782381). An algorithm developed to predict the effect of missense changes on protein structure and function outputs the following: PolyPhen-2: "Benign". The isoleucine amino acid residue is found in multiple mammalian species, which suggests that this missense change does not adversely affect protein function. In summary, the available evidence is currently insufficient to determine the role of this variant in disease. Therefore, it has been classified as a Variant of Uncertain Significance.